The following is an entry in ClinVar:

NM_020964.3(EPG5):c.3022C>T (p.Pro1008Ser)

Gene: EPG5 (ectopic P-granules 5 autophagy tethering factor; minus strand). Cytogenetic location: 18q21.1.
Variant type: single nucleotide variant.
Coding change: c.3022C>T on transcript NM_020964.3 (MANE Select); coding-DNA position 3022, C replaced by T.
Protein change: p.Pro1008Ser; replaces proline 1008 with serine.
Molecular consequence: missense variant.
Genome position (GRCh38, 1-based): chr18:45,922,417, G>A on the plus strand (C>T on the coding strand, the complement: EPG5 is on the minus strand). VCF-style: chr18-45922417-G-A. GRCh37 (hg19) VCF-style: chr18-43502383-G-A.
Other names: c.3022C>T, p.Pro1008Ser (NM_001410858.1, NM_001410859.1); short protein forms P1008S.
Identifiers: ClinVar variation 1721966 (VCV001721966.3), dbSNP rs2511861850, ClinGen allele CA402344133.

ClinVar aggregate classification (germline): Uncertain significance (1 of 4 stars; one submission).

Conditions:
Vici syndrome (VICIS). Identifiers: Orphanet 1493, MedGen C1855772, MONDO:0009452, OMIM 242840.

Submission:

Labcorp Genetics (formerly Invitae), Labcorp
Classification: Uncertain significance for Vici syndrome. Last evaluated: 2022-10-20. Review status: criteria provided, single submitter. Criteria: Invitae Variant Classification Sherloc (09022015). Collection method: clinical testing. Allele origin: germline.
Comment: This sequence change replaces proline, which is neutral and non-polar, with serine, which is neutral and polar, at codon 1008 of the EPG5 protein (p.Pro1008Ser). This variant is not present in population databases (gnomAD no frequency). This variant has not been reported in the literature in individuals affected with EPG5-related conditions. Advanced modeling of protein sequence and biophysical properties (such as structural, functional, and spatial information, amino acid conservation, physicochemical variation, residue mobility, and thermodynamic stability) performed at Invitae indicates that this missense variant is not expected to disrupt EPG5 protein function. Algorithms developed to predict the effect of sequence changes on RNA splicing suggest that this variant may disrupt the consensus splice site. In summary, the available evidence is currently insufficient to determine the role of this variant in disease. Therefore, it has been classified as a Variant of Uncertain Significance.